The following is an entry in ClinVar:

NM_147127.5(EVC2):c.2899_2914del (p.Leu967fs)

Gene: EVC2 (EvC ciliary complex subunit 2; minus strand). Cytogenetic location: 4p16.2.
Variant type: Deletion.
Coding change: c.2899_2914del on transcript NM_147127.5 (MANE Select); coding-DNA positions 2899 to 2914, 16 bases deleted (CTTGTTGCTCTGCAGT).
Protein change: p.Leu967fs; shifts the reading frame from leucine 967.
Molecular consequence: frameshift variant.
Genome position (GRCh38, 1-based): chr4:5,584,766-5,584,781, ACTGCAGAGCAACAAG deleted on the plus strand (CTTGTTGCTCTGCAGT on the coding strand, the reverse complement: EVC2 is on the minus strand). VCF-style (leftmost placement, unchanged base first): chr4-5584765-AACTGCAGAGCAACAAG-A. GRCh37 (hg19) VCF-style: chr4-5586492-AACTGCAGAGCAACAAG-A.
Other names: c.2659_2674del, p.Leu887fs (NM_001166136.2); short protein forms L887fs, L967fs.
Identifiers: ClinVar variation 5013791 (VCV005013791.1).

ClinVar aggregate classification (germline): Pathogenic (1 of 4 stars; one submission).

Conditions:
Ellis-van Creveld syndrome (EVC). Also called: MESOECTODERMAL DYSPLASIA; Chondroectodermal dysplasia. Identifiers: Orphanet 289, MedGen C0013903, MONDO:0009162, OMIM 225500.

Submission:

Myriad Genetics, Inc.
Classification: Pathogenic for Ellis-van Creveld syndrome. Last evaluated: 2024-11-22. Review status: criteria provided, single submitter. Criteria: Myriad Autosomal Dominant, Autosomal Recessive and X-Linked Classification Criteria (2023). Collection method: clinical testing. Allele origin: unknown.
Comment: NM_147127.4(EVC2):c.2899_2914del16(L967Sfs*7) is expected to be pathogenic in the context of EVC2-related Ellis-van Creveld syndrome. This variant is predicted to lead to an abnormal or absent protein product due to the creation of a premature termination codon in EVC2, a gene where loss-of-function variants are known to be pathogenic. Please note: this variant was assessed in the context of healthy population screening.